The following is an entry in ClinVar:

ClinVar aggregate classification (germline): Uncertain significance. Review status: criteria provided, multiple submitters, no conflicts (2 of 4 stars). 4 submissions from 4 submitters: Uncertain significance (4). Last evaluated 2025-08-01.

Conditions:
PLD1-related disorder. Also called: PLD1-related condition.

Allele frequency attached by ClinVar (database versions not stated): gnomAD 0.00002; gnomAD exomes 0.00005 and 0.00012; TOPMed 0.00008; ExAC 0.00012.
gnomAD v4.1: 36 of 1,613,058 alleles (0.0022%); highest among the groups gnomAD compares: Admixed American, 0.058%; no homozygotes.

Submissions (4):

CeGaT Center for Human Genetics Tuebingen
Classification: Uncertain significance. Last evaluated: 2025-08-01. Review status: criteria provided, single submitter. Criteria: CeGaT Center For Human Genetics Tuebingen Variant Classification Criteria Version 2. Collection method: clinical testing. Allele origin: germline. Affected: yes. Observed: 1 variant allele.
Comment: PLD1: PM2, PM3:Supporting

GeneDx
Classification: Uncertain significance. Last evaluated: 2025-04-24. Review status: criteria provided, single submitter. Criteria: GeneDx Variant Classification Process June 2021. Collection method: clinical testing. Allele origin: germline. Affected: yes.
Comment: In silico analysis supports that this missense variant has a deleterious effect on protein structure/function; This variant is associated with the following publications: (PMID: 33645542, 40030011)

PreventionGenetics, part of Exact Sciences
Classification: Uncertain significance for PLD1-related condition. Last evaluated: 2024-10-08. Review status: criteria provided, single submitter. Criteria: ACMG Guidelines, 2015. Collection method: clinical testing. Allele origin: germline.
Comment: The PLD1 c.2452T>C variant is predicted to result in the amino acid substitution p.Tyr818His. This variant has been reported in the homozygous state in an individual with congenital heart defects (Lahrouchi et al. 2021. PubMed ID: 33645542). This variant is reported in 0.088% of alleles in individuals of Latino descent in gnomAD. At this time, the clinical significance of this variant is uncertain due to the absence of conclusive functional and genetic evidence.

Labcorp Genetics (formerly Invitae), Labcorp
Classification: Uncertain significance. Last evaluated: 2022-06-20. Review status: criteria provided, single submitter. Criteria: Invitae Variant Classification Sherloc (09022015). Collection method: clinical testing. Allele origin: germline.
Comment: In summary, the available evidence is currently insufficient to determine the role of this variant in disease. Therefore, it has been classified as a Variant of Uncertain Significance. Algorithms developed to predict the effect of missense changes on protein structure and function are either unavailable or do not agree on the potential impact of this missense change (SIFT: "Deleterious"; PolyPhen-2: "Benign"; Align-GVGD: "Class C0"). This missense change has been observed in individual(s) with PLD1-related conditions (PMID: 33645542). This variant is present in population databases (rs774873976, gnomAD 0.08%). This sequence change replaces tyrosine, which is neutral and polar, with histidine, which is basic and polar, at codon 818 of the PLD1 protein (p.Tyr818His).

Literature cited by the submitters: PubMed 33645542 (cited by Labcorp Genetics (formerly Invitae), Labcorp).

NM_002662.5(PLD1):c.2452T>C (p.Tyr818His)

Gene: PLD1 (phospholipase D1; minus strand). Cytogenetic location: 3q26.31.
Variant type: single nucleotide variant.
Coding change: c.2452T>C on transcript NM_002662.5 (MANE Select); coding-DNA position 2452, T replaced by C.
Protein change: p.Tyr818His; replaces tyrosine 818 with histidine.
Molecular consequence: missense variant.
Genome position (GRCh38, 1-based): chr3:171,645,001, A>G on the plus strand (T>C on the coding strand, the complement: PLD1 is on the minus strand). VCF-style: chr3-171645001-A-G. GRCh37 (hg19) VCF-style: chr3-171362791-A-G.
Other names: c.2338T>C, p.Tyr780His (NM_001130081.3); c.2452T>C (NM_002662.4); short protein forms Y780H, Y818H.
Identifiers: ClinVar variation 1352632 (VCV001352632.16), dbSNP rs774873976, ClinGen allele CA2704233.